The following is an entry in ClinVar:

ClinVar aggregate classification (germline): Uncertain significance (1 of 4 stars; one submission).

Conditions:
Hypophosphatasia. Also called: Phosphoethanol-aminuria. Identifiers: Orphanet 436, MedGen C0020630, MeSH D007014, MONDO:0018570.

Submission:

Genomenon, Inc
Classification: Uncertain significance for Hypophosphatasia. Last evaluated: 2026-09-01. Review status: criteria provided, single submitter. Criteria: Genomenon Sequence Variant Interpretation Standards - Updated. Collection method: curation. Allele origin: germline. Affected: no.
Comment: ALPL p.Gly418Glu (c.1253G>A) is a missense variant that changes the amino acid at codon 418 from Glycine to Glutamic acid. This variant has been reported in the published literature (PMID:39983296). It is absent or not present at a significant frequency in gnomAD. In silico models predict that this variant is possibly or probably damaging. In conclusion, we classify ALPL p.Gly418Glu (c.1253G>A) as a variant of uncertain significance.

Literature cited by the submitters: PubMed 39983296.

NM_000478.6(ALPL):c.1253G>A (p.Gly418Glu)

Gene: ALPL (alkaline phosphatase, biomineralization associated; plus strand). Cytogenetic location: 1p36.12.
Variant type: single nucleotide variant.
Coding change: c.1253G>A on transcript NM_000478.6 (MANE Select); coding-DNA position 1253, G replaced by A.
Protein change: p.Gly418Glu; replaces glycine 418 with glutamic acid.
Molecular consequence: missense variant.
Genome position (GRCh38, 1-based): chr1:21,576,585, G>A. VCF-style: chr1-21576585-G-A. GRCh37 (hg19) VCF-style: chr1-21903078-G-A.
Other names: c.1088G>A, p.Gly363Glu (NM_001127501.4); c.1022G>A, p.Gly341Glu (NM_001177520.3); c.1253G>A, p.Gly418Glu (NM_001369803.2, NM_001369804.2, NM_001369805.2); short protein forms G341E, G363E, G418E.
Identifiers: ClinVar variation 4974789 (VCV004974789.1).